The following is an entry in ClinVar:

NM_004990.4(MARS1):c.1139T>A (p.Leu380Gln)

Gene: MARS1 (methionyl-tRNA synthetase 1; plus strand). Cytogenetic location: 12q13.3.
Variant type: single nucleotide variant.
Coding change: c.1139T>A on transcript NM_004990.4 (MANE Select); coding-DNA position 1139, T replaced by A.
Protein change: p.Leu380Gln; replaces leucine 380 with glutamine.
Molecular consequence: missense variant.
Genome position (GRCh38, 1-based): chr12:57,500,368, T>A. VCF-style: chr12-57500368-T-A. GRCh37 (hg19) VCF-style: chr12-57894151-T-A.
Other names: short protein forms L380Q.
Identifiers: ClinVar variation 3364878 (VCV003364878.2).

ClinVar aggregate classification (germline): Uncertain significance (1 of 4 stars; one submission).

Submission:

GeneDx
Classification: Uncertain significance. Last evaluated: 2026-05-03. Review status: criteria provided, single submitter. Criteria: GeneDx Variant Classification Process June 2021. Collection method: clinical testing. Allele origin: germline.
Comment: Not observed at significant frequency in large population cohorts (gnomAD); In silico analysis supports that this missense variant has a deleterious effect on protein structure/function; In silico analysis suggests this variant may impact gene splicing. In the absence of RNA/functional studies, the actual effect of this sequence change is unknown; Has not been previously published as pathogenic or benign to our knowledge